The following is an entry in ClinVar:

ClinVar aggregate classification (germline): Benign. Review status: criteria provided, single submitter (1 of 4 stars). 2 submissions from 2 submitters: Benign (1). 1 of the submissions does not count toward it. Last evaluated 2019-12-31.

Conditions:
REV3L-related disorder. Also called: REV3L-related condition.

Allele frequency attached by ClinVar (database versions not stated): gnomAD exomes 0.00030; ExAC 0.00038; 1000 Genomes Project 30x 0.00094; 1000 Genomes Project 0.00100; ESP Exome Variant Server 0.00115; gnomAD 0.00151 and 0.00165; TOPMed 0.00158.
gnomAD v4.1: 453 of 1,613,558 alleles (0.028%); highest among the groups gnomAD compares: African/African-American, 0.57%; 5 homozygotes.

Submissions (2):

Labcorp Genetics (formerly Invitae), Labcorp
Classification: Benign. Last evaluated: 2019-12-31. Review status: criteria provided, single submitter. Criteria: Invitae Variant Classification Sherloc (09022015). Collection method: clinical testing. Allele origin: germline.

PreventionGenetics, part of Exact Sciences
Classification: Likely benign for REV3L-related condition. Last evaluated: 2019-12-05. Review status: no assertion criteria provided. Collection method: clinical testing. Allele origin: germline. Not counted in ClinVar's aggregate classification.
Comment: This variant is classified as likely benign based on ACMG/AMP sequence variant interpretation guidelines (Richards et al. 2015 PMID: 25741868, with internal and published modifications).

NM_001372078.1(REV3L):c.2271G>T (p.Val757=)

Gene: REV3L (REV3 like, DNA directed polymerase zeta catalytic subunit; minus strand). Cytogenetic location: 6q21.
Variant type: single nucleotide variant.
Coding change: c.2271G>T on transcript NM_001372078.1 (MANE Select); coding-DNA position 2271, G replaced by T.
Protein change: p.Val757=; no amino-acid change (valine 757 retained).
Molecular consequence: synonymous variant.
Genome position (GRCh38, 1-based): chr6:111,376,084, C>A on the plus strand (G>T on the coding strand, the complement: REV3L is on the minus strand). VCF-style: chr6-111376084-C-A. GRCh37 (hg19) VCF-style: chr6-111697287-C-A.
Other names: c.2037G>T, p.Val679= (NM_001286431.2, NM_001286432.2); c.2271G>T, p.Val757= (NM_002912.5).
Identifiers: ClinVar variation 725134 (VCV000725134.6), dbSNP rs74787235, ClinGen allele CA3962374.